The following is an entry in ClinVar:

NM_001458.5(FLNC):c.6309C>T (p.Thr2103=)

Genes: FLNC (filamin C; plus strand), FLNC-AS1 (FLNC antisense RNA 1; minus strand). Cytogenetic location: 7q32.1.
Variant type: single nucleotide variant.
Coding change: c.6309C>T on transcript NM_001458.5 (MANE Select); coding-DNA position 6309, C replaced by T.
Protein change: p.Thr2103=; no amino-acid change (threonine 2103 retained).
Molecular consequence: synonymous variant.
Genome position (GRCh38, 1-based): chr7:128,853,569, C>T. VCF-style: chr7-128853569-C-T. GRCh37 (hg19) VCF-style: chr7-128493623-C-T.
Other names: p.Thr2103=; c.6210C>T, p.Thr2070= (NM_001127487.2).
Identifiers: ClinVar variation 197029 (VCV000197029.54), dbSNP rs376992044, ClinGen allele CA202665.

ClinVar aggregate classification (germline): Benign/Likely benign. Review status: criteria provided, multiple submitters, no conflicts (2 of 4 stars). 17 submissions from 17 submitters: Benign (6); Likely benign (6). 5 of the submissions do not count toward it. Last evaluated 2026-02-03.

Conditions:
Distal myopathy with posterior leg and anterior hand involvement. Also called: WILLIAMS DISTAL MYOPATHY. Identifiers: Orphanet 63273, MedGen C3279722, MONDO:0013550, OMIM 614065.
Myofibrillar myopathy 5. Also called: Filaminopathy (type); FILAMINOPATHY, AUTOSOMAL DOMINANT. Identifiers: Orphanet 171445, MedGen C1836050, MONDO:0012289, OMIM 609524.
Hypertrophic cardiomyopathy 26. Also called: Cardiomyopathy, familial hypertrophic, 26. Identifiers: Orphanet 75249, MedGen C4310749, MONDO:0014883, OMIM 617047.
Cardiovascular phenotype. Identifiers: MedGen CN230736.
Cardiomyopathy (CMYO). Also called: Cardiomyopathies. Identifiers: Orphanet 167848, MedGen C0878544, MONDO:0004994, HP:0001638. Inheritance: Various modes of inheritance.

Allele frequency attached by ClinVar (database versions not stated): 1000 Genomes Project 0.00020; 1000 Genomes Project 30x 0.00047; gnomAD 0.00111 and 0.00116; TOPMed 0.00116; gnomAD exomes 0.00120 and 0.00156; ExAC 0.00159; ESP Exome Variant Server 0.00215.
gnomAD v4.1: 2,415 of 1,614,150 alleles (0.15%); highest among the groups gnomAD compares: Non-Finnish European, 0.19%; 3 homozygotes.

Submissions (17):

Labcorp Genetics (formerly Invitae), Labcorp
Classification: Benign for Distal myopathy with posterior leg and anterior hand involvement; Myofibrillar myopathy 5; Hypertrophic cardiomyopathy 26. Last evaluated: 2026-02-03. Review status: criteria provided, single submitter. Criteria: Invitae Variant Classification Sherloc (09022015). Collection method: clinical testing. Allele origin: germline.

Mayo Clinic Laboratories, Mayo Clinic
Classification: Likely benign. Last evaluated: 2025-11-19. Review status: criteria provided, single submitter. Criteria: ACMG Guidelines, 2015. Collection method: clinical testing. Allele origin: germline. Observed: 7 variant alleles.
Comment: BS1, BP4, BP7

CeGaT Center for Human Genetics Tuebingen
Classification: Likely benign. Last evaluated: 2025-11-01. Review status: criteria provided, single submitter. Criteria: CeGaT Center For Human Genetics Tuebingen Variant Classification Criteria Version 2. Collection method: clinical testing. Allele origin: germline. Affected: yes. Observed: 5 variant alleles.
Comment: FLNC: BP4, BP7

Molecular Diagnostic Laboratory for Inherited Cardiovascular Disease, Montreal Heart Institute
Classification: Benign. Last evaluated: 2025-04-09. Review status: criteria provided, single submitter. Criteria: ACMG Guidelines, 2015. Collection method: clinical testing. Allele origin: germline. Affected: no.

Blueprint Genetics
Classification: Likely benign. Last evaluated: 2024-08-30. Review status: criteria provided, single submitter. Criteria: ACMG Guidelines, 2015. Collection method: clinical testing. Allele origin: germline.

ARUP Laboratories, Molecular Genetics and Genomics, ARUP Laboratories
Classification: Benign. Last evaluated: 2024-07-18. Review status: criteria provided, single submitter. Criteria: ARUP Molecular Germline Variant Investigation Process 2024. Collection method: clinical testing. Allele origin: germline.

Women's Health and Genetics/Laboratory Corporation of America, LabCorp
Classification: Benign. Last evaluated: 2023-12-03. Review status: criteria provided, single submitter. Criteria: LabCorp Variant Classification Summary - May 2015. Collection method: clinical testing. Allele origin: germline.

CHEO Genetics Diagnostic Laboratory, Children's Hospital of Eastern Ontario
Classification: Benign for Cardiomyopathy. Last evaluated: 2023-02-03. Review status: criteria provided, single submitter. Criteria: ACMG Guidelines, 2015. Collection method: clinical testing. Allele origin: germline.

Fulgent Genetics
Classification: Likely benign for Myofibrillar myopathy 5; Distal myopathy with posterior leg and anterior hand involvement; Hypertrophic cardiomyopathy 26. Last evaluated: 2021-07-22. Review status: criteria provided, single submitter. Criteria: ACMG Guidelines, 2015. Collection method: clinical testing. Allele origin: unknown.

GeneDx
Classification: Benign. Last evaluated: 2020-09-03. Review status: criteria provided, single submitter. Criteria: GeneDx Variant Classification Process June 2021. Collection method: clinical testing. Allele origin: germline. Affected: yes.

Ambry Genetics
Classification: Likely benign for Cardiovascular phenotype. Last evaluated: 2019-02-04. Review status: criteria provided, single submitter. Criteria: Ambry Variant Classification Scheme 2023. Collection method: clinical testing. Allele origin: germline.

Eurofins Ntd Llc (ga)
Classification: Likely benign. Last evaluated: 2015-04-09. Review status: criteria provided, single submitter. Criteria: EGL Classification Definitions 2015. Collection method: clinical testing. Allele origin: germline. Observed: 1 variant allele, 1 heterozygote.

Clinical Genetics DNA and cytogenetics Diagnostics Lab, Erasmus MC, Erasmus Medical Center
Classification: Likely benign. Review status: no assertion criteria provided. Collection method: clinical testing. Allele origin: germline. Affected: yes. Study: VKGL Data-share Consensus. Not counted in ClinVar's aggregate classification.

Clinical Genetics, Academic Medical Center
Classification: Benign. Review status: no assertion criteria provided. Collection method: clinical testing. Allele origin: germline. Affected: yes. Study: VKGL Data-share Consensus. Not counted in ClinVar's aggregate classification.

Genome Diagnostics Laboratory, University Medical Center Utrecht
Classification: Benign. Review status: no assertion criteria provided. Collection method: clinical testing. Allele origin: germline. Affected: yes. Study: VKGL Data-share Consensus. Not counted in ClinVar's aggregate classification.

Joint Genome Diagnostic Labs from Nijmegen and Maastricht, Radboudumc and MUMC+
Classification: Benign. Review status: no assertion criteria provided. Collection method: clinical testing. Allele origin: germline. Affected: yes. Study: VKGL Data-share Consensus. Not counted in ClinVar's aggregate classification.

Laboratory of Diagnostic Genome Analysis, Leiden University Medical Center (LUMC)
Classification: Likely benign. Review status: no assertion criteria provided. Collection method: clinical testing. Allele origin: germline. Affected: yes. Study: VKGL Data-share Consensus. Not counted in ClinVar's aggregate classification.